The following is an entry in ClinVar:

NM_000540.3(RYR1):c.2803G>A (p.Gly935Ser)

Gene: RYR1 (ryanodine receptor 1; plus strand). Cytogenetic location: 19q13.2.
Variant type: single nucleotide variant.
Coding change: c.2803G>A on transcript NM_000540.3 (MANE Select); coding-DNA position 2803, G replaced by A.
Protein change: p.Gly935Ser; replaces glycine 935 with serine.
Molecular consequence: missense variant.
Genome position (GRCh38, 1-based): chr19:38,464,655, G>A. VCF-style: chr19-38464655-G-A. GRCh37 (hg19) VCF-style: chr19-38955295-G-A.
Other names: c.2803G>A, p.Gly935Ser (NM_001042723.2); short protein forms G935S.
Identifiers: ClinVar variation 4077236 (VCV004077236.1).

ClinVar aggregate classification (germline): Uncertain significance (1 of 4 stars; one submission).

Submission:

GeneDx
Classification: Uncertain significance. Last evaluated: 2025-02-28. Review status: criteria provided, single submitter. Criteria: GeneDx Variant Classification Process June 2021. Collection method: clinical testing. Allele origin: germline. Affected: yes.
Comment: Not observed at significant frequency in large population cohorts (gnomAD); In silico analysis supports that this missense variant has a deleterious effect on protein structure/function; Has not been previously published as pathogenic or benign to our knowledge